The following is an entry in ClinVar:

NM_006922.4(SCN3A):c.1682G>A (p.Ser561Asn)

Gene: SCN3A (sodium voltage-gated channel alpha subunit 3; minus strand). Cytogenetic location: 2q24.3.
Variant type: single nucleotide variant.
Coding change: c.1682G>A on transcript NM_006922.4 (MANE Select); coding-DNA position 1682, G replaced by A.
Protein change: p.Ser561Asn; replaces serine 561 with asparagine.
Molecular consequence: missense variant.
Genome position (GRCh38, 1-based): chr2:165,140,988, C>T on the plus strand (G>A on the coding strand, the complement: SCN3A is on the minus strand). VCF-style: chr2-165140988-C-T. GRCh37 (hg19) VCF-style: chr2-165997498-C-T.
Other names: c.1682G>A, p.Ser561Asn (NM_001081676.2, NM_001081677.2); short protein forms S561N.
Identifiers: ClinVar variation 2507245 (VCV002507245.4), dbSNP rs1383276867, ClinGen allele CA349047240.

ClinVar aggregate classification (germline): Uncertain significance. Review status: criteria provided, multiple submitters, no conflicts (2 of 4 stars). 2 submissions from 2 submitters: Uncertain significance (2). Last evaluated 2023-01-28.

Allele frequency attached by ClinVar (database versions not stated): gnomAD 0.00001.
gnomAD v4.1: 1 of 1,613,362 alleles (0.000062%); highest among the groups gnomAD compares: African/African-American, 0.0013%; no homozygotes.

Submissions (2):

Labcorp Genetics (formerly Invitae), Labcorp
Classification: Uncertain significance. Last evaluated: 2023-01-28. Review status: criteria provided, single submitter. Criteria: Invitae Variant Classification Sherloc (09022015). Collection method: clinical testing. Allele origin: germline.
Comment: In summary, the available evidence is currently insufficient to determine the role of this variant in disease. Therefore, it has been classified as a Variant of Uncertain Significance. Algorithms developed to predict the effect of missense changes on protein structure and function (SIFT, PolyPhen-2, Align-GVGD) all suggest that this variant is likely to be disruptive. This variant has not been reported in the literature in individuals affected with SCN3A-related conditions. This variant is present in population databases (no rsID available, gnomAD 0.01%). This sequence change replaces serine, which is neutral and polar, with asparagine, which is neutral and polar, at codon 561 of the SCN3A protein (p.Ser561Asn).

GeneDx
Classification: Uncertain significance. Last evaluated: 2022-12-27. Review status: criteria provided, single submitter. Criteria: GeneDx Variant Classification Process June 2021. Collection method: clinical testing. Allele origin: germline. Affected: yes.
Comment: In silico analysis supports that this missense variant does not alter protein structure/function; Has not been previously published as pathogenic or benign to our knowledge